The following is an entry in ClinVar:

ClinVar aggregate classification (germline): Uncertain significance (1 of 4 stars; one submission).

Submission:

Ambry Genetics
Classification: Uncertain significance. Last evaluated: 2026-03-18. Review status: criteria provided, single submitter. Criteria: Ambry Variant Classification Scheme 2023. Collection method: clinical testing. Allele origin: germline.
Comment: The p.Q723E variant (also known as c.2167C>G), located in coding exon 8 of the RNF43 gene, results from a C to G substitution at nucleotide position 2167. The glutamine at codon 723 is replaced by glutamic acid, an amino acid with highly similar properties. This amino acid position is conserved. In addition, this alteration is predicted to be tolerated by in silico analysis. Based on the available evidence, the clinical significance of this variant remains unclear.

NM_017763.6(RNF43):c.2167C>G (p.Gln723Glu)

Gene: RNF43 (ring finger protein 43; minus strand). Cytogenetic location: 17q22.
Variant type: single nucleotide variant.
Coding change: c.2167C>G on transcript NM_017763.6 (MANE Select); coding-DNA position 2167, C replaced by G.
Protein change: p.Gln723Glu; replaces glutamine 723 with glutamic acid.
Molecular consequence: missense variant.
Genome position (GRCh38, 1-based): chr17:58,357,609, G>C on the plus strand (C>G on the coding strand, the complement: RNF43 is on the minus strand). VCF-style: chr17-58357609-G-C. GRCh37 (hg19) VCF-style: chr17-56434970-G-C.
Other names: c.2167C>G, p.Gln723Glu (NM_001305544.3, NM_001438820.1, NM_001438821.1 and 1 more transcripts); c.1786C>G, p.Gln596Glu (NM_001305545.2, NM_001437987.1); short protein forms Q596E, Q723E.
Identifiers: ClinVar variation 4863377 (VCV004863377.1).
Genomic context (GRCh38, chr17:58,357,609, plus strand): 5'-CCTCCCCAGGTGGATGTGGTTCCAGGGGCTGGCGAGGAGTCAGGCACAACCACACTGGCT[G>C]TGAATTTGAGTAACAGGGGCCTGGGGTTTCTGGTAGCAGCCTCTTGTCCAGGCCTGGAGG-3'
Protein context (NP_060233.3, residues 713-733): ETPGPCYSNS[Gln723Glu]PVWLCLTPRQ